The following is an entry in ClinVar:

NM_001267550.2(TTN):c.67075G>A (p.Val22359Ile)

Genes: TTN (titin; minus strand), TTN-AS1 (TTN antisense RNA 1; plus strand). Cytogenetic location: 2q31.2.
Variant type: single nucleotide variant.
Coding change: c.67075G>A on transcript NM_001267550.2 (MANE Select); coding-DNA position 67075, G replaced by A.
Protein change: p.Val22359Ile; replaces valine 22359 with isoleucine.
Molecular consequence: missense variant.
Genome position (GRCh38, 1-based): chr2:178,580,212, C>T on the plus strand (G>A on the coding strand, the complement: TTN is on the minus strand). VCF-style: chr2-178580212-C-T. GRCh37 (hg19) VCF-style: chr2-179444939-C-T.
Other names: p.V20718I:GTC>ATC; c.62152G>A, p.Val20718Ile (NM_001256850.1); c.39880G>A, p.Val13294Ile (NM_003319.4); c.59371G>A, p.Val19791Ile (NM_133378.4); c.40255G>A, p.Val13419Ile (NM_133432.3); c.40456G>A, p.Val13486Ile (NM_133437.4); short protein forms V22359I, V19791I, V20718I, V13294I, V13419I, V13486I.
Identifiers: ClinVar variation 47247 (VCV000047247.35), dbSNP rs2303838, ClinGen allele CA283641.

ClinVar aggregate classification (germline): Benign/Likely benign. Review status: criteria provided, multiple submitters, no conflicts (2 of 4 stars). 22 submissions from 15 submitters: Benign (20); Likely benign (2). Last evaluated 2026-02-04.

Conditions:
Dilated cardiomyopathy 1G (CMD1G). Identifiers: Orphanet 154, MedGen C1858763, MONDO:0011400, OMIM 604145.
Autosomal recessive limb-girdle muscular dystrophy type 2J (LGMDR10). Also called: MUSCULAR DYSTROPHY, LIMB-GIRDLE, AUTOSOMAL RECESSIVE 10; Limb-girdle muscular dystrophy, type 2J. Identifiers: Orphanet 140922, MedGen C1837342, MONDO:0012127, OMIM 608807.
Cardiovascular phenotype. Identifiers: MedGen CN230736.
Early-onset myopathy with fatal cardiomyopathy (CMYO5). Also called: CONGENITAL MYOPATHY 5 WITH CARDIOMYOPATHY; Salih Myopathy. Identifiers: Orphanet 289377, MedGen C2673677, MONDO:0012714, OMIM 611705. Disease mechanism: loss of function.
Myopathy, myofibrillar, 9, with early respiratory failure (MFM9). Also called: Myopathy, distal, with early respiratory failure, autosomal dominant; Hereditary myopathy with early respiratory failure; MYOPATHY, PROXIMAL, WITH EARLY RESPIRATORY MUSCLE INVOLVEMENT; EDSTROM MYOPATHY. Identifiers: Orphanet 178464, Orphanet 34521, MedGen C1863599, MONDO:0011362, OMIM 603689.
Tibial muscular dystrophy (TMD). Also called: Udd Distal Myopathy – Tibial Muscular Dystrophy; Tibial muscular dystrophy, tardive; UDD MYOPATHY. Identifiers: Orphanet 609, MedGen C1838244, MONDO:0010870, OMIM 600334.

Allele frequency attached by ClinVar (database versions not stated): TOPMed 0.25231; 1000 Genomes Project 30x 0.34603; ExAC 0.24199; gnomAD 0.24364 and 0.23912; ESP Exome Variant Server 0.22395; gnomAD exomes 0.19667 and 0.23995; 1000 Genomes Project 0.35124.
gnomAD v4.1: 326,033 of 1,612,158 alleles (20%); highest among the groups gnomAD compares: East Asian, 61%; 39,664 homozygotes.

Submissions (22):

Labcorp Genetics (formerly Invitae), Labcorp
Classification: Benign for Dilated cardiomyopathy 1G; Autosomal recessive limb-girdle muscular dystrophy type 2J. Last evaluated: 2026-02-04. Review status: criteria provided, single submitter. Criteria: Invitae Variant Classification Sherloc (09022015). Collection method: clinical testing. Allele origin: germline.

Molecular Diagnostic Laboratory for Inherited Cardiovascular Disease, Montreal Heart Institute
Classification: Benign. Last evaluated: 2025-04-09. Review status: criteria provided, single submitter. Criteria: ACMG Guidelines, 2015. Collection method: clinical testing. Allele origin: germline. Affected: no.

Genome-Nilou Lab
Classification: Benign for Autosomal recessive limb-girdle muscular dystrophy type 2J. Last evaluated: 2021-09-10. Review status: criteria provided, single submitter. Criteria: ACMG Guidelines, 2015. Collection method: clinical testing. Allele origin: germline. Affected: no.

Genome-Nilou Lab
Classification: Benign for Myopathy, myofibrillar, 9, with early respiratory failure. Last evaluated: 2021-09-10. Review status: criteria provided, single submitter. Criteria: ACMG Guidelines, 2015. Collection method: clinical testing. Allele origin: germline. Affected: no.

Genome-Nilou Lab
Classification: Benign for Early-onset myopathy with fatal cardiomyopathy. Last evaluated: 2021-09-10. Review status: criteria provided, single submitter. Criteria: ACMG Guidelines, 2015. Collection method: clinical testing. Allele origin: germline. Affected: no.

Genome-Nilou Lab
Classification: Benign for Tibial muscular dystrophy. Last evaluated: 2021-09-10. Review status: criteria provided, single submitter. Criteria: ACMG Guidelines, 2015. Collection method: clinical testing. Allele origin: germline. Affected: no.

Women's Health and Genetics/Laboratory Corporation of America, LabCorp
Classification: Likely benign. Last evaluated: 2020-08-18. Review status: criteria provided, single submitter. Criteria: LabCorp Variant Classification Summary - May 2015. Collection method: clinical testing. Allele origin: germline.

Athena Diagnostics
Classification: Benign. Last evaluated: 2018-11-02. Review status: criteria provided, single submitter. Criteria: Athena Diagnostics Criteria. Collection method: clinical testing. Allele origin: germline.

Illumina Laboratory Services, Illumina
Classification: Benign for Myopathy, myofibrillar, 9, with early respiratory failure. Last evaluated: 2018-01-13. Review status: criteria provided, single submitter. Criteria: ICSL Variant Classification Criteria 13 December 2019. Collection method: clinical testing. Allele origin: germline.
Comment: This variant was observed in the ICSL laboratory as part of a predisposition screen in an ostensibly healthy population. It had not been previously curated by ICSL or reported in the Human Gene Mutation Database (HGMD: prior to June 1st, 2018), and was therefore a candidate for classification through an automated scoring system. Utilizing variant allele frequency, disease prevalence and penetrance estimates, and inheritance mode, an automated score was calculated to assess if this variant is too frequent to cause the disease. Based on the score and internal cut-off values, a variant classified as benign is not then subjected to further curation. The score for this variant resulted in a classification of benign for this disease.

Illumina Laboratory Services, Illumina
Classification: Benign for Early-onset myopathy with fatal cardiomyopathy. Last evaluated: 2018-01-13. Review status: criteria provided, single submitter. Criteria: ICSL Variant Classification Criteria 13 December 2019. Collection method: clinical testing. Allele origin: germline.
Comment: the same text as in the submission from Illumina Laboratory Services, Illumina above.

Illumina Laboratory Services, Illumina
Classification: Benign for Dilated cardiomyopathy 1G. Last evaluated: 2018-01-13. Review status: criteria provided, single submitter. Criteria: ICSL Variant Classification Criteria 13 December 2019. Collection method: clinical testing. Allele origin: germline.
Comment: the same text as in the submission from Illumina Laboratory Services, Illumina above.

Illumina Laboratory Services, Illumina
Classification: Benign for Tibial muscular dystrophy. Last evaluated: 2018-01-13. Review status: criteria provided, single submitter. Criteria: ICSL Variant Classification Criteria 13 December 2019. Collection method: clinical testing. Allele origin: germline.
Comment: the same text as in the submission from Illumina Laboratory Services, Illumina above.

Illumina Laboratory Services, Illumina
Classification: Benign for Autosomal recessive limb-girdle muscular dystrophy type 2J. Last evaluated: 2018-01-13. Review status: criteria provided, single submitter. Criteria: ICSL Variant Classification Criteria 13 December 2019. Collection method: clinical testing. Allele origin: germline.
Comment: the same text as in the submission from Illumina Laboratory Services, Illumina above.

Mayo Clinic Laboratories, Mayo Clinic
Classification: Benign. Last evaluated: 2017-08-24. Review status: criteria provided, single submitter. Criteria: ACMG Guidelines, 2015. Collection method: clinical testing. Allele origin: germline. Observed: 886 variant alleles.

Eurofins Ntd Llc (ga)
Classification: Benign. Last evaluated: 2014-12-05. Review status: criteria provided, single submitter. Criteria: EGL Classification Definitions 2015. Collection method: clinical testing. Allele origin: germline. Observed: 1 variant allele, 1 heterozygote.

Genetic Services Laboratory, University of Chicago
Classification: Benign for AllHighlyPenetrant. Last evaluated: 2013-08-15. Review status: criteria provided, single submitter. Criteria: ACMG Guidelines, 2007. Collection method: clinical testing. Allele origin: germline.

Biesecker Lab/Clinical Genomics Section, National Institutes of Health
Classification: Benign. Last evaluated: 2013-06-24. Review status: criteria provided, single submitter. Criteria: Ng et al. (Circ Cardiovasc Genet. 2013). Collection method: research. Allele origin: unknown. Observed: 189 variant alleles. Study: ClinSeq.
Comment: The study set was not selected for affection status in relation to any cancer. Pathogenicity categories were based on literature curation. See Pubmed ID:23861362 for details.

Medical sequencing

Ambry Genetics
Classification: Benign for Cardiovascular phenotype. Last evaluated: 2013-01-16. Review status: criteria provided, single submitter. Criteria: Ambry Autosomal Dominant and X-Linked criteria (10/2015). Collection method: clinical testing. Allele origin: germline. Observed: 1 variant allele.

GeneDx
Classification: Benign. Last evaluated: 2012-10-31. Review status: criteria provided, single submitter. Criteria: GeneDx Variant Classification (06012015). Collection method: clinical testing. Allele origin: germline. Affected: yes.
Comment: This variant is considered likely benign or benign based on one or more of the following criteria: it is a conservative change, it occurs at a poorly conserved position in the protein, it is predicted to be benign by multiple in silico algorithms, and/or has population frequency not consistent with disease.

Laboratory for Molecular Medicine, Mass General Brigham Personalized Medicine
Classification: Benign. Last evaluated: 2011-11-01. Review status: criteria provided, single submitter. Criteria: LMM Criteria. Collection method: clinical testing. Allele origin: germline. Observed: 719 variant alleles.

Breakthrough Genomics
Classification: Likely benign. Review status: criteria provided, single submitter. Criteria: ACMG Guidelines, 2015. Collection method: not provided. Allele origin: germline. Inheritance: Autosomal recessive inheritance. Affected: yes.

PreventionGenetics, part of Exact Sciences
Classification: Benign. Review status: criteria provided, single submitter. Criteria: ACMG Guidelines, 2015. Collection method: clinical testing. Allele origin: germline.